The following is an entry in ClinVar:

ClinVar aggregate classification (germline): Pathogenic (1 of 4 stars; one submission).

Conditions:
Deficiency of UDPglucose-hexose-1-phosphate uridylyltransferase. Also called: GALACTOSE-1-PHOSPHATE URIDYLYLTRANSFERASE DEFICIENCY; GALT deficiency; Galactosemia, classic; Transferase Deficiency Galactosemia; GALACTOSEMIA I. Identifiers: Orphanet 352, Orphanet 79239, MedGen C0268151, MONDO:0009258, OMIM 230400.

Submission:

Labcorp Genetics (formerly Invitae), Labcorp
Classification: Pathogenic for Deficiency of UDPglucose-hexose-1-phosphate uridylyltransferase. Last evaluated: 2023-01-14. Review status: criteria provided, single submitter. Criteria: Invitae Variant Classification Sherloc (09022015). Collection method: clinical testing. Allele origin: germline.
Comment: For these reasons, this variant has been classified as Pathogenic. Algorithms developed to predict the effect of sequence changes on RNA splicing suggest that this variant may disrupt the consensus splice site. Advanced modeling of protein sequence and biophysical properties (such as structural, functional, and spatial information, amino acid conservation, physicochemical variation, residue mobility, and thermodynamic stability) performed at Invitae indicates that this missense variant is expected to disrupt GALT protein function. This missense change has been observed in individual(s) with clinical features of galactosemia (Invitae). In at least one individual the data is consistent with being in trans (on the opposite chromosome) from a pathogenic variant. This variant is not present in population databases (gnomAD no frequency). This sequence change replaces tryptophan, which is neutral and slightly polar, with cysteine, which is neutral and slightly polar, at codon 239 of the GALT protein (p.Trp239Cys).

NM_000155.4(GALT):c.717G>T (p.Trp239Cys)

Gene: GALT (galactose-1-phosphate uridylyltransferase; plus strand). Cytogenetic location: 9p13.3.
Variant type: single nucleotide variant.
Coding change: c.717G>T on transcript NM_000155.4 (MANE Select); coding-DNA position 717, G replaced by T.
Protein change: p.Trp239Cys; replaces tryptophan 239 with cysteine.
Molecular consequence: missense variant.
Genome position (GRCh38, 1-based): chr9:34,648,791, G>T. VCF-style: chr9-34648791-G-T. GRCh37 (hg19) VCF-style: chr9-34648788-G-T.
Other names: c.390G>T, p.Trp130Cys (NM_001258332.2); short protein forms W130C, W239C.
Identifiers: ClinVar variation 2824112 (VCV002824112.3), dbSNP rs2492872010, ClinGen allele CA373283539.